The following is an entry in ClinVar:

ClinVar aggregate classification (germline): Uncertain significance (1 of 4 stars; one submission).

Submission:

GeneDx
Classification: Uncertain significance. Last evaluated: 2020-06-15. Review status: criteria provided, single submitter. Criteria: GeneDx Variant Classification Process June 2021. Collection method: clinical testing. Allele origin: germline. Affected: yes.
Comment: Has not been previously published as pathogenic or benign to our knowledge; In silico analysis supports that this missense variant has a deleterious effect on protein structure/function; Not observed in large population cohorts (Lek et al., 2016)

NM_032119.4(ADGRV1):c.12925G>C (p.Ala4309Pro)

Gene: ADGRV1 (adhesion G protein-coupled receptor V1; plus strand). Cytogenetic location: 5q14.3.
Variant type: single nucleotide variant.
Coding change: c.12925G>C on transcript NM_032119.4 (MANE Select); coding-DNA position 12925, G replaced by C.
Protein change: p.Ala4309Pro; replaces alanine 4309 with proline.
Molecular consequence: missense variant. On other transcripts: non-coding transcript variant (1).
Genome position (GRCh38, 1-based): chr5:90,778,940, G>C. VCF-style: chr5-90778940-G-C. GRCh37 (hg19) VCF-style: chr5-90074757-G-C.
Other names: short protein forms A4309P.
Identifiers: ClinVar variation 1319007 (VCV001319007.2), dbSNP rs2150081398, ClinGen allele CA360389359.